The following is an entry in ClinVar:

NM_030777.4(SLC2A10):c.*478G>A

Gene: SLC2A10 (solute carrier family 2 member 10; plus strand). Cytogenetic location: 20q13.12.
Variant type: single nucleotide variant.
Coding change: c.*478G>A on transcript NM_030777.4 (MANE Select); 478 bases downstream of the stop codon, G replaced by A.
Molecular consequence: 3 prime UTR variant.
Genome position (GRCh38, 1-based): chr20:46,734,312, G>A. VCF-style: chr20-46734312-G-A. GRCh37 (hg19) VCF-style: chr20-45362951-G-A.
Identifiers: ClinVar variation 338613 (VCV000338613.5), dbSNP rs113058599, ClinGen allele CA10649802.

ClinVar aggregate classification (germline): Benign (1 of 4 stars; one submission).

Conditions:
Arterial tortuosity syndrome (ATORS). Identifiers: Orphanet 3342, MedGen C1859726, MONDO:0008818, OMIM 208050.

Allele frequency attached by ClinVar (database versions not stated): gnomAD 0.00698 and 0.00747; 1000 Genomes Project 30x 0.00750; TOPMed 0.00762; 1000 Genomes Project 0.00779.
gnomAD v4.1: 1,063 of 209,446 alleles (0.51%); highest among the groups gnomAD compares: African/African-American, 2.4%; 11 homozygotes.

Submission:

Illumina Laboratory Services, Illumina
Classification: Benign for Arterial tortuosity syndrome. Last evaluated: 2018-01-12. Review status: criteria provided, single submitter. Criteria: ICSL Variant Classification Criteria 13 December 2019. Collection method: clinical testing. Allele origin: germline.
Comment: This variant was observed in the ICSL laboratory as part of a predisposition screen in an ostensibly healthy population. It had not been previously curated by ICSL or reported in the Human Gene Mutation Database (HGMD: prior to June 1st, 2018), and was therefore a candidate for classification through an automated scoring system. Utilizing variant allele frequency, disease prevalence and penetrance estimates, and inheritance mode, an automated score was calculated to assess if this variant is too frequent to cause the disease. Based on the score and internal cut-off values, a variant classified as benign is not then subjected to further curation. The score for this variant resulted in a classification of benign for this disease.